The following is an entry in ClinVar:

ClinVar aggregate classification (germline): Conflicting classifications of pathogenicity. Review status: criteria provided, conflicting classifications (1 of 4 stars). 6 submissions from 6 submitters: Uncertain significance (1); Benign (2); Likely benign (3). Last evaluated 2026-01-31.

Conditions:
Primary ciliary dyskinesia. Also called: Ciliary dyskinesia. Identifiers: Orphanet 244, MedGen C0008780, MONDO:0016575, HP:0012265.

Allele frequency attached by ClinVar (database versions not stated): ExAC 0.00205; ESP Exome Variant Server 0.00587; 1000 Genomes Project 0.00599; gnomAD 0.00707 and 0.00771; 1000 Genomes Project 30x 0.00718; TOPMed 0.00794.
gnomAD v4.1: 2,058 of 1,600,562 alleles (0.13%); highest among the groups gnomAD compares: African/African-American, 2.5%; 23 homozygotes.

Submissions (6):

Labcorp Genetics (formerly Invitae), Labcorp
Classification: Benign for Primary ciliary dyskinesia. Last evaluated: 2026-01-31. Review status: criteria provided, single submitter. Criteria: Invitae Variant Classification Sherloc (09022015). Collection method: clinical testing. Allele origin: germline.

GeneDx
Classification: Likely benign. Last evaluated: 2019-05-24. Review status: criteria provided, single submitter. Criteria: GeneDx Variant Classification Process June 2021. Collection method: clinical testing. Allele origin: germline. Affected: yes.

Center for Pediatric Genomic Medicine, Children's Mercy Hospital and Clinics
Classification: Likely benign. Last evaluated: 2017-04-27. Review status: criteria provided, single submitter. Criteria: ACMG Guidelines, 2015. Collection method: clinical testing. Allele origin: germline.

Ambry Genetics
Classification: Uncertain significance for Primary ciliary dyskinesia. Last evaluated: 2015-08-07. Review status: criteria provided, single submitter. Criteria: Ambry Variant Classification Scheme 2023. Collection method: clinical testing. Allele origin: germline.
Comment: The c.7812-18C>G intronic alteration consists of a C to G substitution 18 nucleotides before coding exon 48 in the DNAH11 gene. Based on insufficient or conflicting evidence, the clinical significance of this alteration remains unclear.

Breakthrough Genomics
Classification: Likely benign. Review status: criteria provided, single submitter. Criteria: ACMG Guidelines, 2015. Collection method: not provided. Allele origin: germline. Inheritance: Autosomal recessive inheritance. Affected: yes.

PreventionGenetics, part of Exact Sciences
Classification: Benign. Review status: criteria provided, single submitter. Criteria: ACMG Guidelines, 2015. Collection method: clinical testing. Allele origin: germline.

NM_001277115.2(DNAH11):c.7812-18C>G

Gene: DNAH11 (dynein axonemal heavy chain 11; plus strand). Cytogenetic location: 7p15.3.
Variant type: single nucleotide variant.
Coding change: c.7812-18C>G on transcript NM_001277115.2 (MANE Select); 18 bases into the intron before coding-DNA position 7812, C replaced by G.
Molecular consequence: intron variant.
Genome position (GRCh38, 1-based): chr7:21,739,553, C>G. VCF-style: chr7-21739553-C-G. GRCh37 (hg19) VCF-style: chr7-21779171-C-G.
Identifiers: ClinVar variation 257932 (VCV000257932.15), dbSNP rs147865931, ClinGen allele CA4181369.
Genomic context (GRCh38, chr7:21,739,553, plus strand): 5'-GACCTTTATGAACTGTTAGATTTTGCTCTTTTGTCATCTCCAGTTTTTGGATTTAAGGTT[C>G]TGTTTTCTGTCTTTCAGGTATGATAGACAGAAGGTGATGCTTAAAGAAATCCATAACTGC-3'